The following is an entry in ClinVar:

ClinVar aggregate classification (germline): Benign/Likely benign. Review status: criteria provided, multiple submitters, no conflicts (2 of 4 stars). 7 submissions from 7 submitters: Benign (1); Likely benign (6). Last evaluated 2026-05-21.

Conditions:
NF1-related disorder. Also called: NF1-related condition. Identifiers: MedGen CN379171.
Hereditary cancer-predisposing syndrome. Also called: Neoplastic Syndromes, Hereditary; Hereditary Cancer Syndrome; Tumor predisposition; Hereditary neoplastic syndrome. Identifiers: Orphanet 140162, MedGen C0027672, MeSH D009386, MONDO:0015356.
Neurofibromatosis, type 1 (NF1). Also called: VON RECKLINGHAUSEN DISEASE; NEUROFIBROMATOSIS, TYPE I, SOMATIC; Peripheral type neurofibromatosis; Neurofibromatosis, type I. Identifiers: Orphanet 636, MedGen C0027831, MONDO:0018975, OMIM 162200. Disease mechanism: loss of function.

Allele frequency attached by ClinVar (database versions not stated): TOPMed below 0.00001; gnomAD 0.00001; gnomAD exomes 0.00001 and 0.00002; ExAC 0.00002; ESP Exome Variant Server 0.00008.
gnomAD v4.1: 10 of 1,612,836 alleles (0.00062%); highest among the groups gnomAD compares: Admixed American, 0.005%; no homozygotes.

Submissions (7):

Myriad Genetics, Inc.
Classification: Benign for Neurofibromatosis, type 1. Last evaluated: 2026-05-21. Review status: criteria provided, single submitter. Criteria: Myriad Autosomal Dominant, Autosomal Recessive and X-Linked Classification Criteria (2023). Collection method: clinical testing. Allele origin: unknown.
Comment: This variant is considered benign. This variant is a silent/synonymous amino acid change and it is not expected to impact splicing.

Labcorp Genetics (formerly Invitae), Labcorp
Classification: Likely benign for Neurofibromatosis, type 1. Last evaluated: 2025-11-12. Review status: criteria provided, single submitter. Criteria: Invitae Variant Classification Sherloc (09022015). Collection method: clinical testing. Allele origin: germline.

PreventionGenetics, part of Exact Sciences
Classification: Likely benign for NF1-related condition. Last evaluated: 2024-10-20. Review status: criteria provided, single submitter. Criteria: ACMG Guidelines, 2015. Collection method: clinical testing. Allele origin: germline.
Comment: This variant is classified as likely benign based on ACMG/AMP sequence variant interpretation guidelines (Richards et al. 2015 PMID: 25741868, with internal and published modifications).

Genome-Nilou Lab
Classification: Likely benign for Neurofibromatosis, type 1. Last evaluated: 2022-03-15. Review status: criteria provided, single submitter. Criteria: ACMG Guidelines, 2015. Collection method: clinical testing. Allele origin: germline. Affected: no.

Sema4
Classification: Likely benign for Hereditary cancer-predisposing syndrome. Last evaluated: 2022-02-01. Review status: criteria provided, single submitter. Criteria: Sema4 Curation Guidelines. Collection method: curation. Allele origin: germline.

GeneDx
Classification: Likely benign. Last evaluated: 2020-09-20. Review status: criteria provided, single submitter. Criteria: GeneDx Variant Classification Process June 2021. Collection method: clinical testing. Allele origin: germline. Affected: yes.

Ambry Genetics
Classification: Likely benign for Hereditary cancer-predisposing syndrome. Last evaluated: 2016-02-26. Review status: criteria provided, single submitter. Criteria: Ambry Autosomal Dominant and X-Linked criteria (10/2015). Collection method: clinical testing. Allele origin: germline. Observed: 1 variant allele.
Comment: Synonymous alterations with insufficient evidence to classify as benign

NM_001042492.3(NF1):c.6834C>T (p.Cys2278=)

Gene: NF1 (neurofibromin 1; plus strand). Cytogenetic location: 17q11.2.
Variant type: single nucleotide variant.
Coding change: c.6834C>T on transcript NM_001042492.3 (MANE Select); coding-DNA position 6834, C replaced by T.
Protein change: p.Cys2278=; no amino-acid change (cysteine 2278 retained).
Molecular consequence: synonymous variant.
Genome position (GRCh38, 1-based): chr17:31,338,718, C>T. VCF-style: chr17-31338718-C-T. GRCh37 (hg19) VCF-style: chr17-29665736-C-T.
Other names: c.6771C>T, p.Cys2257= (NM_000267.4).
Identifiers: ClinVar variation 480068 (VCV000480068.17), dbSNP rs149603406, ClinGen allele CA8487439.